The following is an entry in ClinVar:

NM_145201.6(NAPRT):c.351C>T (p.Pro117=)

Gene: NAPRT (nicotinate phosphoribosyltransferase; minus strand). Cytogenetic location: 8q24.3.
Variant type: single nucleotide variant.
Coding change: c.351C>T on transcript NM_145201.6 (MANE Select); coding-DNA position 351, C replaced by T.
Protein change: p.Pro117=; no amino-acid change (proline 117 retained).
Molecular consequence: synonymous variant. On other transcripts: 5 prime UTR variant (1).
Genome position (GRCh38, 1-based): chr8:143,577,819, G>A on the plus strand (C>T on the coding strand, the complement: NAPRT is on the minus strand). VCF-style: chr8-143577819-G-A. GRCh37 (hg19) VCF-style: chr8-144659989-G-A.
Other names: c.351C>T, p.Pro117= (NM_001286829.2, NM_001363145.1); c.-218C>T (NM_001363146.1).
Identifiers: ClinVar variation 719974 (VCV000719974.27), dbSNP rs200810930, ClinGen allele CA4913161.
Genomic context (GRCh38, chr8:143,577,819, plus strand): 5'-CTCCGCGCTCGGCCCAGCACCCCGTGGCCGCCGCGCCGCCCGCTTACCCCTACTCACTCC[G>A]GGGAAGGCGAGGGAGCCCTCGGGCAGGGCTCGCACCGTCACCTCGGAGCAGTCGAGGGCC-3'
Protein context (NP_660202.3, residues 107-127): RALPEGSLAF[Pro117=]GVPLLQVSGP

ClinVar aggregate classification (germline): Benign/Likely benign. Review status: criteria provided, multiple submitters, no conflicts (2 of 4 stars). 2 submissions from 2 submitters: Benign (1); Likely benign (1). Last evaluated 2022-09-01.

Allele frequency attached by ClinVar (database versions not stated): gnomAD exomes 0.00052; ExAC 0.00129; 1000 Genomes Project 0.00200; gnomAD 0.00217 and 0.00230; 1000 Genomes Project 30x 0.00219; TOPMed 0.00238; ESP Exome Variant Server 0.00288.
gnomAD v4.1: 661 of 1,606,964 alleles (0.041%); highest among the groups gnomAD compares: African/African-American, 0.75%; 2 homozygotes.

Submissions (2):

CeGaT Center for Human Genetics Tuebingen
Classification: Likely benign. Last evaluated: 2022-09-01. Review status: criteria provided, single submitter. Criteria: CeGaT Center For Human Genetics Tuebingen Variant Classification Criteria Version 2. Collection method: clinical testing. Allele origin: germline. Affected: yes. Observed: 1 variant allele.
Comment: NAPRT: BP4, BP7

Labcorp Genetics (formerly Invitae), Labcorp
Classification: Benign. Last evaluated: 2017-08-15. Review status: criteria provided, single submitter. Criteria: Invitae Variant Classification Sherloc (09022015). Collection method: clinical testing. Allele origin: germline.